The following is an entry in ClinVar:

NM_001100.4(ACTA1):c.124C>T (p.His42Tyr)

Gene: ACTA1 (actin alpha 1, skeletal muscle; minus strand). Cytogenetic location: 1q42.13.
Variant type: single nucleotide variant.
Coding change: c.124C>T on transcript NM_001100.4 (MANE Select); coding-DNA position 124, C replaced by T.
Protein change: p.His42Tyr; replaces histidine 42 with tyrosine.
Molecular consequence: missense variant.
Genome position (GRCh38, 1-based): chr1:229,432,992, G>A on the plus strand (C>T on the coding strand, the complement: ACTA1 is on the minus strand). VCF-style: chr1-229432992-G-A. GRCh37 (hg19) VCF-style: chr1-229568739-G-A.
Other names: H40Y; NM_001100.4(ACTA1):c.124C>T; p.His42Tyr; short protein forms H42Y.
Identifiers: ClinVar variation 1452968 (VCV001452968.11), dbSNP rs2102736554, ClinGen allele CA345151235.

ClinVar aggregate classification (germline): Pathogenic. Review status: reviewed by expert panel (3 of 4 stars). 3 submissions from 3 submitters: Pathogenic (1). 2 of the submissions do not count toward it. Last evaluated 2024-08-27.

Conditions:
Actin accumulation myopathy (CMYO2A). Also called: Myopathy, actin, congenital, with cores; Nemaline myopathy 3, with intranuclear rods; CONGENITAL MYOPATHY 2A, TYPICAL, AUTOSOMAL DOMINANT; Nemaline myopathy type 3; Myopathy, actin, congenital, with excess of thin myofilaments. Identifiers: Orphanet 98904, MedGen C3711389, MONDO:0008070, OMIM 161800.
Congenital myopathy 2c, severe infantile, autosomal dominant (CMYO2C). Identifiers: MedGen C5830333, MONDO:0859523, OMIM 620278.
Alpha-actinopathy. Also called: Actinopathy. Identifiers: MedGen CN295279, MONDO:0100084.

Submissions (3):

ClinGen Congenital Myopathies Variant Curation Expert Panel, ClinGen
Classification: Pathogenic for Alpha-actinopathy. Last evaluated: 2024-08-27. Review status: reviewed by expert panel. Criteria: ClinGen CongenMyopathy ACMG Specifications ACTA1_AD_ V2.0.0. Collection method: curation. Allele origin: germline. Inheritance: Autosomal dominant inheritance.
Comment: The NM_001100.4:c.124C>T variant in ACTA1 is a missense variant predicted to cause substitution of histidine by tyrosine at amino acid 42 (legacy nomenclature: p.His40Tyr). This variant is absent from gnomAD v4.1 (PM2_Supporting). The computational predictor REVEL gives a score of 0.72, which is above the threshold of 0.7, evidence that correlates with impact to ACTA1 function (PP3). ACTA1, in which the variant was identified, is defined by the ClinGen Congenital Myopathies VCEP as a gene that has a low rate of benign missense variation and where pathogenic missense variants are a common mechanism of disease (PP2). In vitro studies demonstrated changes in actin localization and motility (PMID:15226407, 17227580, 27112274). In vivo studies in a mouse model demonstrated impaired function of ACTA1 and limited intrinsic force-generating capacity and maximal tetanic force (PMID:23613869, 23656990)(PS3). This variant has been reported in 4 probands/families with intranuclear rod and/or nemaline myopathies (PS4_Moderate; PMID:10508519, 12921789, 19562689). This variant has occured de novo with confirmed parental relationships in 1 individual and was reported to occur de novo with unconfirmed parental relationships in 1 individual with severe atypical nemaline myopathy with intranuclear nemaline bodies (PS2, PP4_Moderate; PMID:10508519, 19562689). In summary, this variant meets the criteria to be classified as pathogenic for autosomal dominant alpha-actinopathy based on the ACMG/AMP criteria applied, as specified by the ClinGen Congenital Myopathies VCEP: PS2, PS3, PS4_Moderate, PP4_Moderate, PM2_Supporting, PP2, PP3 (Congenital Myopathies VCEP specifications version 2; 08/27/2024.

Labcorp Genetics (formerly Invitae), Labcorp
Classification: Pathogenic for Actin accumulation myopathy. Last evaluated: 2022-08-15. Review status: criteria provided, single submitter. Criteria: Invitae Variant Classification Sherloc (09022015). Collection method: clinical testing. Allele origin: germline. Not counted in ClinVar's aggregate classification.
Comment: This variant is also known as p.His40Tyr. For these reasons, this variant has been classified as Pathogenic. Experimental studies have shown that this missense change affects ACTA1 function (PMID: 27112274). Advanced modeling of protein sequence and biophysical properties (such as structural, functional, and spatial information, amino acid conservation, physicochemical variation, residue mobility, and thermodynamic stability) performed at Invitae indicates that this missense variant is expected to disrupt ACTA1 protein function. ClinVar contains an entry for this variant (Variation ID: 1452968). This missense change has been observed in individual(s) with autosomal dominant nemaline myopathy (PMID: 10508519). In at least one individual the variant was observed to be de novo. This variant is not present in population databases (gnomAD no frequency). This sequence change replaces histidine, which is basic and polar, with tyrosine, which is neutral and polar, at codon 42 of the ACTA1 protein (p.His42Tyr).

OMIM
Classification: Pathogenic for CONGENITAL MYOPATHY 2C, SEVERE INFANTILE, AUTOSOMAL DOMINANT. Last evaluated: 1999-10-01. Review status: no assertion criteria provided. Collection method: literature only. Allele origin: germline. Not counted in ClinVar's aggregate classification.

Literature cited by the submitters: PubMed 27112274 (cited by Labcorp Genetics (formerly Invitae), Labcorp); PubMed 10508519 (cited by Labcorp Genetics (formerly Invitae), Labcorp and OMIM); PubMed 22067542 (cited by OMIM).